The following is an entry in ClinVar:

ClinVar aggregate classification (germline): Pathogenic (1 of 4 stars; one submission).

Conditions:
Early-infantile DEE. Also called: Early infantile epileptic encephalopathy with suppression bursts; Early infantile epileptic encephalopathy; Ohtahara syndrome. Identifiers: Orphanet 1934, MedGen C0393706, MONDO:0800491.

Submission:

Labcorp Genetics (formerly Invitae), Labcorp
Classification: Pathogenic for Early-infantile DEE. Last evaluated: 2022-07-12. Review status: criteria provided, single submitter. Criteria: Invitae Variant Classification Sherloc (09022015). Collection method: clinical testing. Allele origin: germline.
Comment: For these reasons, this variant has been classified as Pathogenic. This variant disrupts a region of the SCN1A protein in which other variant(s) (p.Ala1919Leufs*13) have been determined to be pathogenic (Invitae). This suggests that this is a clinically significant region of the protein, and that variants that disrupt it are likely to be disease-causing. ClinVar contains an entry for this variant (Variation ID: 1459300). This variant has not been reported in the literature in individuals affected with SCN1A-related conditions. This variant is not present in population databases (gnomAD no frequency). This sequence change creates a premature translational stop signal (p.Asp1866Leufs*12) in the SCN1A gene. While this is not anticipated to result in nonsense mediated decay, it is expected to disrupt the last 144 amino acid(s) of the SCN1A protein.

NM_001165963.4(SCN1A):c.5594_5595dup (p.Asp1866fs)

Genes: SCN1A (sodium voltage-gated channel alpha subunit 1; minus strand), LOC102724058 (uncharacterized LOC102724058; plus strand). Cytogenetic location: 2q24.3.
Variant type: Duplication.
Coding change: c.5594_5595dup on transcript NM_001165963.4 (MANE Select); coding-DNA positions 5594 to 5595, 2 bases duplicated (TT; older notation c.5594_5595dupTT).
Protein change: p.Asp1866fs; shifts the reading frame from aspartic acid 1866.
Molecular consequence: frameshift variant. On other transcripts: non-coding transcript variant (1).
Genome position (GRCh38, 1-based): chr2:165,991,680-165,991,681, AA duplicated on the plus strand (TT on the coding strand, the reverse complement: SCN1A is on the minus strand). VCF-style (leftmost placement, unchanged base first): chr2-165991679-C-CAA. GRCh37 (hg19) VCF-style: chr2-166848189-C-CAA.
Other names: c.5510_5511dup, p.Asp1838fs (NM_001165964.3, NM_001353957.2, NM_001353958.2); c.5594_5595dup, p.Asp1866fs (NM_001202435.3, NM_001353948.2); c.5561_5562dup, p.Asp1855fs (NM_001353949.2, NM_001353950.2, NM_001353951.2 and 2 more transcripts); c.5558_5559dup, p.Asp1854fs (NM_001353954.2, NM_001353955.2); c.5507_5508dup, p.Asp1837fs (NM_001353960.2); c.3152_3153dup, p.Asp1052fs (NM_001353961.2); short protein forms D1854fs, D1866fs, D1838fs, D1855fs, D1052fs, D1837fs.
Identifiers: ClinVar variation 1459300 (VCV001459300.7), dbSNP rs2105425687, ClinGen allele CA2573133686.